The following is an entry in ClinVar:

ClinVar aggregate classification (germline): Uncertain significance (1 of 4 stars; one submission).

Conditions:
Duchenne muscular dystrophy (DMD). Also called: MUSCULAR DYSTROPHY, PSEUDOHYPERTROPHIC PROGRESSIVE, DUCHENNE TYPE; Duchenne Muscular Dystrophy (DMD). Identifiers: Orphanet 98896, MedGen C0013264, MONDO:0010679, OMIM 310200.

Submission:

Labcorp Genetics (formerly Invitae), Labcorp
Classification: Uncertain significance for Duchenne muscular dystrophy. Last evaluated: 2023-12-27. Review status: criteria provided, single submitter. Criteria: Invitae Variant Classification Sherloc (09022015). Collection method: clinical testing. Allele origin: germline.
Comment: This sequence change replaces glycine, which is neutral and non-polar, with arginine, which is basic and polar, at codon 903 of the DMD protein (p.Gly903Arg). This variant is not present in population databases (gnomAD no frequency). This variant has not been reported in the literature in individuals affected with DMD-related conditions. Advanced modeling of protein sequence and biophysical properties (such as structural, functional, and spatial information, amino acid conservation, physicochemical variation, residue mobility, and thermodynamic stability) performed at Invitae indicates that this missense variant is not expected to disrupt DMD protein function with a negative predictive value of 95%. In summary, the available evidence is currently insufficient to determine the role of this variant in disease. Therefore, it has been classified as a Variant of Uncertain Significance.

NM_004006.3(DMD):c.2707G>A (p.Gly903Arg)

Gene: DMD (dystrophin; minus strand). Cytogenetic location: Xp21.1.
Variant type: single nucleotide variant.
Coding change: c.2707G>A on transcript NM_004006.3 (MANE Select); coding-DNA position 2707, G replaced by A.
Protein change: p.Gly903Arg; replaces glycine 903 with arginine.
Molecular consequence: missense variant.
Genome position (GRCh38, 1-based): chrX:32,485,015, C>T on the plus strand (G>A on the coding strand, the complement: DMD is on the minus strand). VCF-style: chrX-32485015-C-T. GRCh37 (hg19) VCF-style: chrX-32503132-C-T.
Other names: c.2683G>A, p.Gly895Arg (NM_000109.4); c.2695G>A, p.Gly899Arg (NM_004009.3); c.2338G>A, p.Gly780Arg (NM_004010.3); short protein forms G780R, G895R, G899R, G903R.
Identifiers: ClinVar variation 2703071 (VCV002703071.3), dbSNP rs2148583638, ClinGen allele CA412670838.
Genomic context (GRCh38, chrX:32,485,015, plus strand): 5'-AAAAGACTTGCTTAAAATGATTTGTAAAGGCCACAAAGTCTGCATCCAGGAACATGGGTC[C>T]TTGTCCTTTCTCTTTCAGGGCTATGCTTTGAATTTTTAATCGTTCAATTTGAGGTTGAAG-3'
Protein context (NP_003997.2, residues 893-913): QSIALKEKGQ[Gly903Arg]PMFLDADFVA